The following is an entry in ClinVar:

ClinVar aggregate classification (germline): Conflicting classifications of pathogenicity. Review status: criteria provided, conflicting classifications (1 of 4 stars). 6 submissions from 6 submitters: Uncertain significance (5); Likely benign (1). Last evaluated 2026-05-12.

Conditions:
Hereditary cancer-predisposing syndrome. Also called: Tumor predisposition; Hereditary Cancer Syndrome; Hereditary neoplastic syndrome; Neoplastic Syndromes, Hereditary. Identifiers: Orphanet 140162, MedGen C0027672, MeSH D009386, MONDO:0015356.
Hereditary diffuse gastric adenocarcinoma (HDGC). Also called: DIFFUSE GASTRIC AND LOBULAR BREAST CANCER SYNDROME. Identifiers: Orphanet 26106, MedGen C1708349, MONDO:0007648, OMIM 137215.

Allele frequency attached by ClinVar (database versions not stated): gnomAD exomes below 0.00001 and 0.00001; gnomAD 0.00002; TOPMed 0.00003; ExAC 0.00002.
gnomAD v4.1: 9 of 1,613,890 alleles (0.00056%); highest among the groups gnomAD compares: Non-Finnish European, 0.00076%; no homozygotes.

Submissions (6):

Ambry Genetics
Classification: Likely benign for Hereditary cancer-predisposing syndrome. Last evaluated: 2026-05-12. Review status: criteria provided, single submitter. Criteria: Ambry Variant Classification Scheme 2023. Collection method: clinical testing. Allele origin: germline.

Labcorp Genetics (formerly Invitae), Labcorp
Classification: Uncertain significance for Hereditary diffuse gastric adenocarcinoma. Last evaluated: 2025-12-22. Review status: criteria provided, single submitter. Criteria: Invitae Variant Classification Sherloc (09022015). Collection method: clinical testing. Allele origin: germline.
Comment: This sequence change replaces methionine, which is neutral and non-polar, with threonine, which is neutral and polar, at codon 282 of the CDH1 protein (p.Met282Thr). This variant is present in population databases (rs730881652, gnomAD 0.002%). This variant has not been reported in the literature in individuals affected with CDH1-related conditions. ClinVar contains an entry for this variant (Variation ID: 182375). An algorithm developed to predict the effect of missense changes on protein structure and function (PolyPhen-2) suggests that this variant is likely to be disruptive. In summary, the available evidence is currently insufficient to determine the role of this variant in disease. Therefore, it has been classified as a Variant of Uncertain Significance.

Color Diagnostics, LLC DBA Color Health
Classification: Uncertain significance for Hereditary cancer-predisposing syndrome. Last evaluated: 2025-11-19. Review status: criteria provided, single submitter. Criteria: ACMG Guidelines, 2015. Collection method: clinical testing. Allele origin: germline.
Comment: This missense variant replaces methionine with threonine at codon 282 of the CDH1 protein. To our knowledge, functional studies have not been reported for this variant. This variant has not been reported in individuals affected with hereditary cancer in the literature. This variant has been identified in 2/251468 chromosomes in the general population by the Genome Aggregation Database (gnomAD). The available evidence is insufficient to determine the role of this variant in disease conclusively. Therefore, this variant is classified as a Variant of Uncertain Significance.

GeneDx
Classification: Uncertain significance. Last evaluated: 2023-09-13. Review status: criteria provided, single submitter. Criteria: GeneDx Variant Classification Process June 2021. Collection method: clinical testing. Allele origin: germline. Affected: yes.
Comment: Not observed at significant frequency in large population cohorts (gnomAD); In silico analysis supports that this missense variant has a deleterious effect on protein structure/function; Has not been previously published as pathogenic or benign to our knowledge; This variant is associated with the following publications: (PMID: 15235021, 22850631)

Genetic Services Laboratory, University of Chicago
Classification: Uncertain significance. Last evaluated: 2023-08-07. Review status: criteria provided, single submitter. Criteria: ACMG Guidelines, 2015. Collection method: clinical testing. Allele origin: germline. Affected: no.
Comment: DNA sequence analysis of the CDH1 gene demonstrated a sequence change, c.845T>C, in exon 7 that results in an amino acid change, p.Met282Thr. This sequence change does not appear to have been previously described in individuals with CDH1-related disorders. This sequence change has been described in the gnomAD database with an overall frequency of 0.0008% (dbSNP rs730881652). The p.Met282Thr change affects a highly conserved amino acid residue located in a domain of the CDH1 protein that is known to be functional. The p.Met282Thr substitution appears to be deleterious using several in-silico pathogenicity prediction tools (SIFT, PolyPhen2, Align GVGD, REVEL). Due to insufficient evidences and the lack of functional studies, the clinical significance of the p.Met282Thr change remains unknown at this time.

Women's Health and Genetics/Laboratory Corporation of America, LabCorp
Classification: Uncertain significance. Last evaluated: 2019-01-14. Review status: criteria provided, single submitter. Criteria: LabCorp Variant Classification Summary - May 2015. Collection method: clinical testing. Allele origin: germline.
Comment: Variant summary: CDH1 c.845T>C (p.Met282Thr) results in a non-conservative amino acid change located in the second cadherin repeat domain (IPR002126) of the encoded protein sequence. Three of five in-silico tools predict a damaging effect of the variant on protein function. The variant allele was found at a frequency of 8.1e-06 in 246242 control chromosomes (gnomAD). The available data on variant occurrences in the general population are insufficient to allow any conclusion about variant significance. To our knowledge, no occurrence of c.845T>C in individuals affected with Hereditary Diffuse Gastric Cancer and no experimental evidence demonstrating its impact on protein function have been reported. Four clinical diagnostic laboratories have submitted clinical-significance assessments for this variant to ClinVar after 2014 without evidence for independent evaluation. All laboratories classified the variant as uncertain significance. Based on the evidence outlined above, the variant was classified as uncertain significance.

NM_004360.5(CDH1):c.845T>C (p.Met282Thr)

Gene: CDH1 (cadherin 1; plus strand). Cytogenetic location: 16q22.1.
Variant type: single nucleotide variant.
Coding change: c.845T>C on transcript NM_004360.5 (MANE Select); coding-DNA position 845, T replaced by C.
Protein change: p.Met282Thr; replaces methionine 282 with threonine.
Molecular consequence: missense variant. On other transcripts: 5 prime UTR variant (2).
Genome position (GRCh38, 1-based): chr16:68,811,696, T>C. VCF-style: chr16-68811696-T-C. GRCh37 (hg19) VCF-style: chr16-68845599-T-C.
Other names: p.M282T:ATG>ACG; c.845T>C, p.Met282Thr (NM_001317184.2); c.-771T>C (NM_001317185.2); c.-975T>C (NM_001317186.2); c.845T>C (LRG_301t1); short protein forms M282T.
Identifiers: ClinVar variation 182375 (VCV000182375.29), dbSNP rs730881652, ClinGen allele CA298937.